The following is an entry in ClinVar:

ClinVar aggregate classification (germline): Pathogenic. Review status: criteria provided, multiple submitters, no conflicts (2 of 4 stars). 2 submissions from 2 submitters: Pathogenic (2). Last evaluated 2025-02-11.

Conditions:
Cerebral cavernous malformation (CCM). Also called: Cavernous Hemangioma of Brain; Cerebral cavernous hemangioma (type); Cerebral cavernous malformations; CAVERNOUS ANGIOMA, FAMILIAL; CAVERNOUS ANGIOMATOUS MALFORMATIONS; CEREBRAL CAPILLARY MALFORMATIONS. Identifiers: Orphanet 221061, MedGen C2919945, MONDO:0000820, OMIM 116860, HP:0033522.

Submissions (2):

Labcorp Genetics (formerly Invitae), Labcorp
Classification: Pathogenic for Cerebral cavernous malformation. Last evaluated: 2025-02-11. Review status: criteria provided, single submitter. Criteria: Invitae Variant Classification Sherloc (09022015). Collection method: clinical testing. Allele origin: germline.
Comment: This sequence change creates a premature translational stop signal (p.Trp464*) in the KRIT1 gene. It is expected to result in an absent or disrupted protein product. Loss-of-function variants in KRIT1 are known to be pathogenic (PMID: 10508515, 11222804, 12404106, 24689081). This variant is not present in population databases (gnomAD no frequency). This premature translational stop signal has been observed in individual(s) with cerebral cavernous malformations, 27153162 (PMID: 12404106). ClinVar contains an entry for this variant (Variation ID: 590701). Algorithms developed to predict the effect of sequence changes on RNA splicing suggest that this variant may disrupt the consensus splice site. For these reasons, this variant has been classified as Pathogenic.

PreventionGenetics, part of Exact Sciences
Classification: Pathogenic. Last evaluated: 2013-12-26. Review status: criteria provided, single submitter. Criteria: ACMG Guidelines, 2015. Collection method: clinical testing. Allele origin: germline.

Literature cited by the submitters: PubMed 10508515 (cited by Labcorp Genetics (formerly Invitae), Labcorp); PubMed 11222804 (cited by Labcorp Genetics (formerly Invitae), Labcorp); PubMed 12404106 (cited by Labcorp Genetics (formerly Invitae), Labcorp); PubMed 24689081 (cited by Labcorp Genetics (formerly Invitae), Labcorp).

NM_194454.3(KRIT1):c.1391G>A (p.Trp464Ter)

Gene: KRIT1 (KRIT1 ankyrin repeat containing; minus strand). Cytogenetic location: 7q21.2.
Variant type: single nucleotide variant.
Coding change: c.1391G>A on transcript NM_194454.3 (MANE Select); coding-DNA position 1391, G replaced by A.
Protein change: p.Trp464Ter; replaces tryptophan 464 with a stop codon.
Molecular consequence: nonsense.
Genome position (GRCh38, 1-based): chr7:92,222,842, C>T on the plus strand (G>A on the coding strand, the complement: KRIT1 is on the minus strand). VCF-style: chr7-92222842-C-T. GRCh37 (hg19) VCF-style: chr7-91852156-C-T.
Other names: c.1247G>A, p.Trp416Ter (NM_001013406.2, NM_001350669.1, NM_001350670.1); c.677G>A, p.Trp226Ter (NM_001350671.1); c.1391G>A, p.Trp464Ter (NM_001350672.1, NM_001350673.1, NM_001350674.1 and 26 more transcripts); short protein forms W464*, W226*, W416*.
Identifiers: ClinVar variation 590701 (VCV000590701.5), dbSNP rs1563265959, ClinGen allele CA368147021.